The following is an entry in ClinVar:

NM_004304.5(ALK):c.1794G>A (p.Leu598=)

Gene: ALK (ALK receptor tyrosine kinase; minus strand). Cytogenetic location: 2p23.2.
Variant type: single nucleotide variant.
Coding change: c.1794G>A on transcript NM_004304.5 (MANE Select); coding-DNA position 1794, G replaced by A.
Protein change: p.Leu598=; no amino-acid change (leucine 598 retained).
Molecular consequence: synonymous variant.
Genome position (GRCh38, 1-based): chr2:29,296,911, C>T on the plus strand (G>A on the coding strand, the complement: ALK is on the minus strand). VCF-style: chr2-29296911-C-T. GRCh37 (hg19) VCF-style: chr2-29519777-C-T.
Identifiers: ClinVar variation 470773 (VCV000470773.16), dbSNP rs942266375, ClinGen allele CA44642875.

ClinVar aggregate classification (germline): Likely benign. Review status: criteria provided, multiple submitters, no conflicts (2 of 4 stars). 3 submissions from 3 submitters: Likely benign (2). 1 of the submissions does not count toward it. Last evaluated 2025-06-01.

Conditions:
ALK-related disorder. Also called: ALK-related condition.
Hereditary cancer-predisposing syndrome. Also called: Hereditary neoplastic syndrome; Neoplastic Syndromes, Hereditary; Tumor predisposition; Hereditary Cancer Syndrome. Identifiers: Orphanet 140162, MedGen C0027672, MeSH D009386, MONDO:0015356.
Neuroblastoma, susceptibility to, 3. Also called: ALK-Related Neuroblastic Tumor Susceptibility. Identifiers: Orphanet 635, MedGen C2751681, MONDO:0013083, OMIM 613014.

Allele frequency attached by ClinVar (database versions not stated): TOPMed 0.00003; gnomAD 0.00004.
gnomAD v4.1: 6 of 1,614,050 alleles (0.00037%); highest among the groups gnomAD compares: Admixed American, 0.01%; no homozygotes.

Submissions (3):

Labcorp Genetics (formerly Invitae), Labcorp
Classification: Likely benign for Neuroblastoma, susceptibility to, 3. Last evaluated: 2025-06-01. Review status: criteria provided, single submitter. Criteria: Invitae Variant Classification Sherloc (09022015). Collection method: clinical testing. Allele origin: germline.

Ambry Genetics
Classification: Likely benign for Hereditary cancer-predisposing syndrome. Last evaluated: 2022-02-23. Review status: criteria provided, single submitter. Criteria: Ambry Variant Classification Scheme 2023. Collection method: clinical testing. Allele origin: germline.

PreventionGenetics, part of Exact Sciences
Classification: Likely benign for ALK-related condition. Last evaluated: 2022-02-03. Review status: no assertion criteria provided. Collection method: clinical testing. Allele origin: germline. Not counted in ClinVar's aggregate classification.
Comment: This variant is classified as likely benign based on ACMG/AMP sequence variant interpretation guidelines (Richards et al. 2015 PMID: 25741868, with internal and published modifications).